The following is an entry in ClinVar:

ClinVar aggregate classification (germline): Uncertain significance (1 of 4 stars; one submission).

gnomAD v4.1: 2 of 1,602,448 alleles (0.00012%); highest among the groups gnomAD compares: Non-Finnish European, 0.00017%; no homozygotes.

Submission:

Labcorp Genetics (formerly Invitae), Labcorp
Classification: Uncertain significance. Last evaluated: 2024-11-06. Review status: criteria provided, single submitter. Criteria: Invitae Variant Classification Sherloc (09022015). Collection method: clinical testing. Allele origin: germline.
Comment: This sequence change replaces glutamic acid, which is acidic and polar, with lysine, which is basic and polar, at codon 69 of the CDK5RAP2 protein (p.Glu69Lys). This variant is present in population databases (rs773325781, gnomAD 0.002%). This variant has not been reported in the literature in individuals affected with CDK5RAP2-related conditions. An algorithm developed to predict the effect of missense changes on protein structure and function (PolyPhen-2) suggests that this variant is likely to be disruptive. In summary, the available evidence is currently insufficient to determine the role of this variant in disease. Therefore, it has been classified as a Variant of Uncertain Significance.

NM_018249.6(CDK5RAP2):c.205G>A (p.Glu69Lys)

Gene: CDK5RAP2 (CDK5 regulatory subunit associated protein 2; minus strand). Cytogenetic location: 9q33.2.
Variant type: single nucleotide variant.
Coding change: c.205G>A on transcript NM_018249.6 (MANE Select); coding-DNA position 205, G replaced by A.
Protein change: p.Glu69Lys; replaces glutamic acid 69 with lysine.
Molecular consequence: missense variant. On other transcripts: non-coding transcript variant (5).
Genome position (GRCh38, 1-based): chr9:120,550,893, C>T on the plus strand (G>A on the coding strand, the complement: CDK5RAP2 is on the minus strand). VCF-style: chr9-120550893-C-T. GRCh37 (hg19) VCF-style: chr9-123313171-C-T.
Other names: c.205G>A, p.Glu69Lys (NM_001011649.3, NM_001272039.2, NM_001410992.1 and 2 more transcripts); short protein forms E69K.
Identifiers: ClinVar variation 3687252 (VCV003687252.2).